The following is an entry in ClinVar:

NM_004813.4(PEX16):c.209G>A (p.Arg70Gln)

Gene: PEX16 (peroxisomal biogenesis factor 16; minus strand). Cytogenetic location: 11p11.2.
Variant type: single nucleotide variant.
Coding change: c.209G>A on transcript NM_004813.4 (MANE Select); coding-DNA position 209, G replaced by A.
Protein change: p.Arg70Gln; replaces arginine 70 with glutamine.
Molecular consequence: missense variant.
Genome position (GRCh38, 1-based): chr11:45,916,243, C>T on the plus strand (G>A on the coding strand, the complement: PEX16 is on the minus strand). VCF-style: chr11-45916243-C-T. GRCh37 (hg19) VCF-style: chr11-45937794-C-T.
Other names: c.209G>A, p.Arg70Gln (NM_057174.3); short protein forms R70Q.
Identifiers: ClinVar variation 857824 (VCV000857824.7), dbSNP rs776600798, ClinGen allele CA5960061.

ClinVar aggregate classification (germline): Uncertain significance. Review status: criteria provided, multiple submitters, no conflicts (2 of 4 stars). 3 submissions from 3 submitters: Uncertain significance (3). Last evaluated 2025-05-01.

Conditions:
Inborn genetic diseases. Identifiers: MedGen C0950123, MeSH D030342.
Peroxisome biogenesis disorder. Identifiers: Orphanet 79189, MedGen C1832200, MONDO:0019234. Disease mechanism: loss of function.

Allele frequency attached by ClinVar (database versions not stated): gnomAD exomes 0.00002; ExAC 0.00003; gnomAD 0.00003 and 0.00004; TOPMed 0.00005.
gnomAD v4.1: 24 of 1,613,770 alleles (0.0015%); highest among the groups gnomAD compares: African/African-American, 0.004%; no homozygotes.

Submissions (3):

Ambry Genetics
Classification: Uncertain significance for Inborn genetic diseases. Last evaluated: 2025-05-01. Review status: criteria provided, single submitter. Criteria: Ambry Variant Classification Scheme 2023. Collection method: clinical testing. Allele origin: germline.

Blueprint Genetics
Classification: Uncertain significance. Last evaluated: 2023-09-14. Review status: criteria provided, single submitter. Criteria: ACMG Guidelines, 2015. Collection method: clinical testing. Allele origin: germline.

Labcorp Genetics (formerly Invitae), Labcorp
Classification: Uncertain significance for Peroxisome biogenesis disorder. Last evaluated: 2022-10-18. Review status: criteria provided, single submitter. Criteria: Invitae Variant Classification Sherloc (09022015). Collection method: clinical testing. Allele origin: germline.
Comment: This sequence change replaces arginine, which is basic and polar, with glutamine, which is neutral and polar, at codon 70 of the PEX16 protein (p.Arg70Gln). This variant is present in population databases (rs776600798, gnomAD 0.01%). This variant has not been reported in the literature in individuals affected with PEX16-related conditions. ClinVar contains an entry for this variant (Variation ID: 857824). Advanced modeling of protein sequence and biophysical properties (such as structural, functional, and spatial information, amino acid conservation, physicochemical variation, residue mobility, and thermodynamic stability) performed at Invitae indicates that this missense variant is not expected to disrupt PEX16 protein function. In summary, the available evidence is currently insufficient to determine the role of this variant in disease. Therefore, it has been classified as a Variant of Uncertain Significance.